The following is an entry in ClinVar:

ClinVar aggregate classification (germline): Likely pathogenic (1 of 4 stars; one submission).

Conditions:
Tyrosinemia type I (TYRSN1). Also called: Tyrosinemia type 1; Fumarylacetoacetase deficiency; FAH DEFICIENCY; HEPATORENAL TYROSINEMIA; Deficiency of fumarylacetoacetase. Identifiers: Orphanet 882, MedGen C0268490, MONDO:0010161, OMIM 276700. Disease mechanism: loss of function.

Submission:

Labcorp Genetics (formerly Invitae), Labcorp
Classification: Likely pathogenic for Tyrosinemia type I. Last evaluated: 2023-10-11. Review status: criteria provided, single submitter. Criteria: Invitae Variant Classification Sherloc (09022015). Collection method: clinical testing. Allele origin: germline.
Comment: This sequence change affects an acceptor splice site in intron 5 of the FAH gene. It is expected to disrupt RNA splicing. Variants that disrupt the donor or acceptor splice site typically lead to a loss of protein function (PMID: 16199547), and loss-of-function variants in FAH are known to be pathogenic (PMID: 9101289, 9633815). This variant is not present in population databases (gnomAD no frequency). This variant has not been reported in the literature in individuals affected with FAH-related conditions. Algorithms developed to predict the effect of sequence changes on RNA splicing suggest that this variant may disrupt the consensus splice site. In summary, the currently available evidence indicates that the variant is pathogenic, but additional data are needed to prove that conclusively. Therefore, this variant has been classified as Likely Pathogenic.

Literature cited by the submitters: PubMed 16199547; PubMed 9101289; PubMed 9633815.

NM_000137.4(FAH):c.456-1G>A

Gene: FAH (fumarylacetoacetate hydrolase; plus strand). Cytogenetic location: 15q25.1.
Variant type: single nucleotide variant.
Coding change: c.456-1G>A on transcript NM_000137.4 (MANE Select); the canonical splice acceptor site of the intron before coding-DNA position 456, G replaced by A.
Molecular consequence: splice acceptor variant.
Genome position (GRCh38, 1-based): chr15:80,168,051, G>A. VCF-style: chr15-80168051-G-A. GRCh37 (hg19) VCF-style: chr15-80460393-G-A.
Other names: c.456-1G>A (NM_001374377.1, NM_001374380.1).
Identifiers: ClinVar variation 2720298 (VCV002720298.3), dbSNP rs2505850100, ClinGen allele CA393619758.